The following is an entry in ClinVar:

NM_000497.4(CYP11B1):c.954G>C (p.Thr318=)

Genes: CYP11B1 (cytochrome P450 family 11 subfamily B member 1; minus strand), LOC106799833 (CYP11B1 recombination region; plus strand). Cytogenetic location: 8q24.3.
Variant type: single nucleotide variant.
Coding change: c.954G>C on transcript NM_000497.4 (MANE Select); coding-DNA position 954, G replaced by C.
Protein change: p.Thr318=; no amino-acid change (threonine 318 retained).
Molecular consequence: synonymous variant.
Genome position (GRCh38, 1-based): chr8:142,876,241, C>G on the plus strand (G>C on the coding strand, the complement: CYP11B1 is on the minus strand). VCF-style: chr8-142876241-C-G. GRCh37 (hg19) VCF-style: chr8-143957657-C-G.
Other names: c.954G>C, p.Thr318= (NM_001026213.1).
Identifiers: ClinVar variation 1464846 (VCV001464846.7), dbSNP rs753774484, ClinGen allele CA463327588.
Genomic context (GRCh38, chr8:142,876,241, plus strand): 5'-AGTGCCTGGGAGGCAGGCTTGGCATCACCCTCTCTGGGTGGGGCTGGTTGCCGGCCTGAC[C>G]GTGTCCACGCTCCCTGCAGTGAGTTCCATAGAGTTGGCCTTGATGGCATCTGGCGACAGT-3'
Protein context (NP_000488.3, residues 308-328): SMELTAGSVD[Thr318=]TVFPLLMTLF

ClinVar aggregate classification (germline): Likely pathogenic. Review status: criteria provided, multiple submitters, no conflicts (2 of 4 stars). 2 submissions from 2 submitters: Likely pathogenic (2). Last evaluated 2025-06-25.

Conditions:
Congenital adrenal hyperplasia. Identifiers: Orphanet 418, MedGen C0001627, MONDO:0018479, HP:0008258.

gnomAD v4.1: 3 of 1,614,062 alleles (0.00019%); highest among the groups gnomAD compares: Admixed American, 0.0017%; no homozygotes.

Submissions (2):

Women's Health and Genetics/Laboratory Corporation of America, LabCorp
Classification: Likely pathogenic for Congenital adrenal hyperplasia. Last evaluated: 2025-06-25. Review status: criteria provided, single submitter. Criteria: LabCorp Variant Classification Summary - May 2015. Collection method: clinical testing. Allele origin: germline.
Comment: Variant summary: CYP11B1 c.954G>C (p.Thr318Thr) alters a conserved nucleotide located close to a canonical splice site and therefore could affect mRNA splicing, leading to a significantly altered protein sequence. Several computational tools predict a significant impact on normal splicing: four predict the variant abolishes a 5' splicing donor site. At least one publication reported evidence that this variant affects mRNA splicing, demonstrating the lack of mRNA in a patient derived sample, which was likely the result of nonsense-mediated decay (NMD), caused by the splice-effect (Chabre_2000). The variant was absent in 251312 control chromosomes (gnomAD). c.954G>C has been observed in individuals affected with Congenital Adrenal Hyperplasia (e.g. Chabre_2000, Ata_2021). These data indicate that the variant is likely associated with disease. The following publications have been ascertained in the context of this evaluation (PMID: 11095433, 33516834). ClinVar contains an entry for this variant (Variation ID: 1464846). Based on the evidence outlined above, the variant was classified as likely pathogenic.

Labcorp Genetics (formerly Invitae), Labcorp
Classification: Likely pathogenic. Last evaluated: 2021-09-06. Review status: criteria provided, single submitter. Criteria: Invitae Variant Classification Sherloc (09022015). Collection method: clinical testing. Allele origin: germline.
Comment: In summary, the currently available evidence indicates that the variant is pathogenic, but additional data are needed to prove that conclusively. Therefore, this variant has been classified as Likely Pathogenic. This variant has been observed in individual(s) with CYP11B1-related conditions (PMID: 11095433). This variant disrupts the c.954G nucleotide in the CYP11B1 gene. Other variant(s) that disrupt this nucleotide have been determined to be pathogenic (PMID: 26956189, 29858860, 31006099). This suggests that this nucleotide is clinically significant, and that variants that disrupt this position are likely to be disease-causing. Variants that disrupt the consensus splice site are a relatively common cause of aberrant splicing (PMID: 17576681, 9536098). Studies have shown that this variant results in skipping of exon 5 and introduces a premature termination codon (PMID: 11095433). The resulting mRNA is expected to undergo nonsense-mediated decay. This variant is not present in population databases (ExAC no frequency). This sequence change affects codon 318 of the CYP11B1 mRNA. It is a 'silent' change, meaning that it does not change the encoded amino acid sequence of the CYP11B1 protein. RNA analysis indicates that this variant induces altered splicing and may result in an absent or disrupted protein product.

Literature cited by the submitters: PubMed 11095433 (cited by Women's Health and Genetics/Laboratory Corporation of America, LabCorp and Labcorp Genetics (formerly Invitae), Labcorp); PubMed 33516834 (cited by Women's Health and Genetics/Laboratory Corporation of America, LabCorp); PubMed 26956189 (cited by Labcorp Genetics (formerly Invitae), Labcorp); PubMed 29858860 (cited by Labcorp Genetics (formerly Invitae), Labcorp); PubMed 31006099 (cited by Labcorp Genetics (formerly Invitae), Labcorp); PubMed 17576681 (cited by Labcorp Genetics (formerly Invitae), Labcorp); PubMed 9536098 (cited by Labcorp Genetics (formerly Invitae), Labcorp).